The following is an entry in ClinVar:

ClinVar aggregate classification (germline): Conflicting classifications of pathogenicity. Review status: criteria provided, conflicting classifications (1 of 4 stars). 4 submissions from 4 submitters: Pathogenic (1); Likely pathogenic (1); Uncertain significance (2). Last evaluated 2024-03-13.

Conditions:
Neurofibromatosis, type 1 (NF1). Also called: NEUROFIBROMATOSIS, TYPE I, SOMATIC; Peripheral type neurofibromatosis; Neurofibromatosis, type I; VON RECKLINGHAUSEN DISEASE. Identifiers: Orphanet 636, MedGen C0027831, MONDO:0018975, OMIM 162200. Disease mechanism: loss of function.

Submissions (4):

ARUP Laboratories, Molecular Genetics and Genomics, ARUP Laboratories
Classification: Uncertain significance. Last evaluated: 2024-03-13. Review status: criteria provided, single submitter. Criteria: ARUP Molecular Germline Variant Investigation Process 2024. Collection method: clinical testing. Allele origin: germline.
Comment: The NF1 c.1316T>C; p.Leu439Pro variant (rs2143914353) is reported in the literature in individuals with suspected neurofibromatosis type 1 (Corsello 2018, Kang 2020). This variant is reported in ClinVar (Variation ID: 1318774). This variant is absent from the Genome Aggregation Database (v2.1.1), indicating it is not a common polymorphism. Computational analyses predict that this variant is deleterious (REVEL: 0.88). However, given the limited clinical data and lack of functional data, the significance of this variant is uncertain at this time. References: Corsello G et al. Clinical and molecular characterization of 112 single-center patients with Neurofibromatosis type 1. Ital J Pediatr. 2018 Apr 4;44(1):45. PMID: 29618358. Kang E et al. Phenotype categorization of neurofibromatosis type I and correlation to NF1 mutation types. J Hum Genet. 2020 Jan;65(2):79-89. PMID: 31776437.

Labcorp Genetics (formerly Invitae), Labcorp
Classification: Pathogenic for Neurofibromatosis, type 1. Last evaluated: 2023-10-12. Review status: criteria provided, single submitter. Criteria: Invitae Variant Classification Sherloc (09022015). Collection method: clinical testing. Allele origin: germline.
Comment: This sequence change replaces leucine, which is neutral and non-polar, with proline, which is neutral and non-polar, at codon 439 of the NF1 protein (p.Leu439Pro). This variant is not present in population databases (gnomAD no frequency). This missense change has been observed in individual(s) with neurofibromatosis type 1 (PMID: 29618358, 31776437). ClinVar contains an entry for this variant (Variation ID: 1318774). Advanced modeling of protein sequence and biophysical properties (such as structural, functional, and spatial information, amino acid conservation, physicochemical variation, residue mobility, and thermodynamic stability) performed at Invitae indicates that this missense variant is expected to disrupt NF1 protein function. For these reasons, this variant has been classified as Pathogenic.

3billion
Classification: Likely pathogenic for Neurofibromatosis, type 1. Last evaluated: 2023-09-15. Review status: criteria provided, single submitter. Criteria: ACMG Guidelines, 2015. Collection method: clinical testing. Allele origin: germline. Affected: yes.
Comment: The variant is not observed in the gnomAD v2.1.1 dataset. Predicted Consequence/Location: Missense variant In silico tool predictions suggest damaging effect of the variant on gene or gene product [REVEL: 0.88 (>=0.6, sensitivity 0.68 and specificity 0.92)]. Same nucleotide change resulting in same amino acid change has been previously reported as pathogenic/likely pathogenic with strong evidence (ClinVar ID: VCV001318774 /PMID: 29618358). A different missense change at the same codon (p.Leu439Phe) has been reported to be associated with NF1 related disorder (PMID: 31766501). Therefore, this variant is classified as Likely pathogenic according to the recommendation of ACMG/AMP guideline.

GeneDx
Classification: Uncertain significance. Last evaluated: 2019-09-20. Review status: criteria provided, single submitter. Criteria: GeneDx Variant Classification Process June 2021. Collection method: clinical testing. Allele origin: germline. Affected: yes.
Comment: Not observed in large population cohorts (Lek 2016); In silico analysis, which includes protein predictors and evolutionary conservation, supports a deleterious effect; Observed in individuals with a clinical suspicion of neurofibromatosis type 1(Corsello 2018); This variant is associated with the following publications: (PMID: 29618358, 31776437)

Literature cited by the submitters: PubMed 29618358 (cited by Labcorp Genetics (formerly Invitae), Labcorp and 3billion); PubMed 31776437 (cited by Labcorp Genetics (formerly Invitae), Labcorp); PubMed 31766501 (cited by 3billion).

NM_001042492.3(NF1):c.1316T>C (p.Leu439Pro)

Gene: NF1 (neurofibromin 1; plus strand). Cytogenetic location: 17q11.2.
Variant type: single nucleotide variant.
Coding change: c.1316T>C on transcript NM_001042492.3 (MANE Select); coding-DNA position 1316, T replaced by C.
Protein change: p.Leu439Pro; replaces leucine 439 with proline.
Molecular consequence: missense variant.
Genome position (GRCh38, 1-based): chr17:31,206,295, T>C. VCF-style: chr17-31206295-T-C. GRCh37 (hg19) VCF-style: chr17-29533313-T-C.
Other names: c.1316T>C, p.Leu439Pro (NM_000267.4, NM_001128147.3); short protein forms L439P.
Identifiers: ClinVar variation 1318774 (VCV001318774.8), dbSNP rs2143914353, ClinGen allele CA398999416.
Genomic context (GRCh38, chr17:31,206,295, plus strand): 5'-TCTAGTCCGCATTGGATTGGTGGCCTAAGATTGATGCTGTGTATTGTCACTCGGTTGAAC[T>C]TCGAAATATGTTTGGTGAAACACTTCATAAAGCAGTGCAAGGTTGTGGAGCACACCCAGC-3'
Protein context (NP_001035957.1, residues 429-449): IDAVYCHSVE[Leu439Pro]RNMFGETLHK